The following is an entry in ClinVar:

ClinVar aggregate classification (germline): Uncertain significance. Review status: criteria provided, multiple submitters, no conflicts (2 of 4 stars). 7 submissions from 7 submitters: Uncertain significance (6). 1 of the submissions does not count toward it. Last evaluated 2025-03-16.

Conditions:
Classic or attenuated familial adenomatous polyposis. Identifiers: MedGen CN372698, MONDO:0021057.
Hereditary cancer-predisposing syndrome. Also called: Neoplastic Syndromes, Hereditary; Tumor predisposition; Hereditary Cancer Syndrome; Hereditary neoplastic syndrome. Identifiers: Orphanet 140162, MedGen C0027672, MeSH D009386, MONDO:0015356.
APC-related disorder. Also called: APC-related condition.
Familial adenomatous polyposis 1 (FAP1). Also called: FAMILIAL ADENOMATOUS POLYPOSIS 1, ATTENUATED; POLYPOSIS, ADENOMATOUS INTESTINAL. Identifiers: MedGen C2713442, MONDO:0021056, OMIM 175100. Disease mechanism: loss of function.

Allele frequency attached by ClinVar (database versions not stated): TOPMed below 0.00001.
gnomAD v4.1: 13 of 1,614,086 alleles (0.00081%); highest among the groups gnomAD compares: Non-Finnish European, 0.0011%; no homozygotes.

Submissions (7):

Quest Diagnostics Nichols Institute San Juan Capistrano
Classification: Uncertain significance. Last evaluated: 2025-03-16. Review status: criteria provided, single submitter. Criteria: Quest Diagnostics criteria. Collection method: clinical testing. Allele origin: unknown.
Comment: The APC c.3659C>T (p.Thr1220Ile) variant has not been reported in individuals with APC-related conditions in the published literature. The frequency of this variant in the general population (Genome Aggregation Database) is uninformative in the assessment of its pathogenicity. Analysis of this variant using bioinformatics tools for the prediction of the effect of amino acid changes on protein structure and function yielded predictions that this variant is benign. Based on the available information, we are unable to determine the clinical significance of this variant.

Labcorp Genetics (formerly Invitae), Labcorp
Classification: Uncertain significance for Familial adenomatous polyposis 1. Last evaluated: 2025-01-22. Review status: criteria provided, single submitter. Criteria: Invitae Variant Classification Sherloc (09022015). Collection method: clinical testing. Allele origin: germline.
Comment: This sequence change replaces threonine, which is neutral and polar, with isoleucine, which is neutral and non-polar, at codon 1220 of the APC protein (p.Thr1220Ile). This variant is not present in population databases (gnomAD no frequency). This variant has not been reported in the literature in individuals affected with APC-related conditions. ClinVar contains an entry for this variant (Variation ID: 482251). Invitae Evidence Modeling of protein sequence and biophysical properties (such as structural, functional, and spatial information, amino acid conservation, physicochemical variation, residue mobility, and thermodynamic stability) indicates that this missense variant is not expected to disrupt APC protein function with a negative predictive value of 95%. In summary, the available evidence is currently insufficient to determine the role of this variant in disease. Therefore, it has been classified as a Variant of Uncertain Significance.

Ambry Genetics
Classification: Uncertain significance for Hereditary cancer-predisposing syndrome. Last evaluated: 2024-12-06. Review status: criteria provided, single submitter. Criteria: Ambry Variant Classification Scheme 2023. Collection method: clinical testing. Allele origin: germline.
Comment: The p.T1220I variant (also known as c.3659C>T), located in coding exon 15 of the APC gene, results from a C to T substitution at nucleotide position 3659. The threonine at codon 1220 is replaced by isoleucine, an amino acid with similar properties. This amino acid position is not well conserved in available vertebrate species. In addition, in silico predictors for this gene do not accurately predict pathogenicity. Missense alterations in APC are not a common cause of disease (Spier I et al. Genet Med. 2024 Feb;26(2):100992). Based on the available evidence, the clinical significance of this variant remains unclear.

All of Us Research Program, National Institutes of Health
Classification: Uncertain significance for Classic or attenuated familial adenomatous polyposis. Last evaluated: 2024-04-25. Review status: criteria provided, single submitter. Criteria: ACMG Guidelines, 2015. Collection method: clinical testing. Allele origin: germline. Inheritance: Autosomal dominant inheritance. Observed: 1 variant allele, 1 heterozygote.
Comment: This missense variant replaces threonine with isoleucine at codon 1220 of the APC protein. Computational prediction tool suggests that this variant may not impact protein structure and function (internally defined REVEL score threshold <=0.5, PMID: 27666373). Splice site prediction tools suggest that this variant may not impact RNA splicing. To our knowledge, functional studies have not been performed for this variant. This variant has not been reported in individuals affected with hereditary cancer in the literature. This variant has not been identified in the general population by the Genome Aggregation Database (gnomAD). The available evidence is insufficient to determine the role of this variant in disease conclusively. Therefore, this variant is classified as a Variant of Uncertain Significance.

This study involves interpretation of variants in research participants for the purpose of population health screening. Participant phenotype was not available at the time of variant classification. Additional details can be found in publication PMID: 35346344, PMCID: PMC8962531

Color Diagnostics, LLC DBA Color Health
Classification: Uncertain significance for Hereditary cancer-predisposing syndrome. Last evaluated: 2024-04-12. Review status: criteria provided, single submitter. Criteria: ACMG Guidelines, 2015. Collection method: clinical testing. Allele origin: germline.
Comment: This missense variant replaces threonine with isoleucine at codon 1220 of the APC protein. Computational prediction suggests that this variant may not impact protein structure and function (internally defined REVEL score threshold <= 0.5, PMID: 27666373). To our knowledge, functional studies have not been reported for this variant. This variant has not been reported in individuals affected with APC-related disorders in the literature. This variant has not been identified in the general population by the Genome Aggregation Database (gnomAD). The available evidence is insufficient to determine the role of this variant in disease conclusively. Therefore, this variant is classified as a Variant of Uncertain Significance.

GeneDx
Classification: Uncertain significance. Last evaluated: 2024-01-22. Review status: criteria provided, single submitter. Criteria: GeneDx Variant Classification Process June 2021. Collection method: clinical testing. Allele origin: germline. Affected: yes.
Comment: Not observed at significant frequency in large population cohorts (gnomAD); In silico analysis supports that this missense variant does not alter protein structure/function; Has not been previously published as pathogenic or benign to our knowledge

PreventionGenetics, part of Exact Sciences
Classification: Uncertain significance for APC-related condition. Last evaluated: 2024-04-04. Review status: no assertion criteria provided. Collection method: clinical testing. Allele origin: germline. Not counted in ClinVar's aggregate classification.
Comment: The APC c.3659C>T variant is predicted to result in the amino acid substitution p.Thr1220Ile. To our knowledge, this variant has not been reported in the literature or in a large population database, indicating this variant is rare. This variant has been classified as a variant of uncertain significance by 4 separate laboratories in ClinVar. At this time, the clinical significance of this variant is uncertain due to the absence of conclusive functional and genetic evidence.

NM_000038.6(APC):c.3659C>T (p.Thr1220Ile)

Gene: APC (APC regulator of Wnt signaling pathway; plus strand). Cytogenetic location: 5q22.2.
Variant type: single nucleotide variant.
Coding change: c.3659C>T on transcript NM_000038.6 (MANE Select); coding-DNA position 3659, C replaced by T.
Protein change: p.Thr1220Ile; replaces threonine 1220 with isoleucine.
Molecular consequence: missense variant.
Genome position (GRCh38, 1-based): chr5:112,839,253, C>T. VCF-style: chr5-112839253-C-T. GRCh37 (hg19) VCF-style: chr5-112174950-C-T.
Other names: c.3659C>T, p.Thr1220Ile (NM_001127510.3, NM_001354895.2); c.3605C>T, p.Thr1202Ile (NM_001127511.3); c.3713C>T, p.Thr1238Ile (NM_001354896.2); c.3689C>T, p.Thr1230Ile (NM_001354897.2); c.3584C>T, p.Thr1195Ile (NM_001354898.2); c.3575C>T, p.Thr1192Ile (NM_001354899.2); c.3536C>T, p.Thr1179Ile (NM_001354900.2); c.3482C>T, p.Thr1161Ile (NM_001354901.2); and 5 more; short protein forms T1202I, T1220I, T1161I, T1192I, T1060I, T1094I, T1129I, T1230I.
Identifiers: ClinVar variation 482251 (VCV000482251.26), dbSNP rs773617726, ClinGen allele CA16029369.